The following is an entry in ClinVar:

NM_001080517.3(SETD5):c.1188-3C>T

Gene: SETD5 (SET domain containing 5; plus strand). Cytogenetic location: 3p25.3.
Variant type: single nucleotide variant.
Coding change: c.1188-3C>T on transcript NM_001080517.3 (MANE Select); 3 bases into the intron before coding-DNA position 1188, C replaced by T.
Molecular consequence: intron variant.
Genome position (GRCh38, 1-based): chr3:9,445,045, C>T. VCF-style: chr3-9445045-C-T. GRCh37 (hg19) VCF-style: chr3-9486729-C-T.
Other names: c.894-3C>T (NM_001349451.2, NM_001292043.2).
Identifiers: ClinVar variation 1686759 (VCV001686759.2), dbSNP rs1194452034, ClinGen allele CA541211848.

ClinVar aggregate classification (germline): Uncertain significance (1 of 4 stars; one submission).

Allele frequency attached by ClinVar (database versions not stated): gnomAD 0.00001; gnomAD exomes 0.00001; TOPMed 0.00001.
gnomAD v4.1: 16 of 1,611,230 alleles (0.00099%); highest among the groups gnomAD compares: Non-Finnish European, 0.0014%; no homozygotes.

Submission:

GeneDx
Classification: Uncertain significance. Last evaluated: 2021-11-19. Review status: criteria provided, single submitter. Criteria: GeneDx Variant Classification Process June 2021. Collection method: clinical testing. Allele origin: germline. Affected: yes.
Comment: Not observed at significant frequency in large population cohorts (gnomAD); In-silico analysis is inconclusive as to whether the variant alters gene splicing. In the absence of RNA/functional studies, the actual effect of this sequence change is unknown.; Has not been previously published as pathogenic or benign to our knowledge